The following is an entry in ClinVar:

NM_014251.3(SLC25A13):c.1230+2T>A

Gene: SLC25A13 (solute carrier family 25 member 13; minus strand). Cytogenetic location: 7q21.3.
Variant type: single nucleotide variant.
Coding change: c.1230+2T>A on transcript NM_014251.3 (MANE Select); the canonical splice donor site of the intron after coding-DNA position 1230, T replaced by A.
Molecular consequence: splice donor variant.
Genome position (GRCh38, 1-based): chr7:96,171,470, A>T on the plus strand (T>A on the coding strand, the complement: SLC25A13 is on the minus strand). VCF-style: chr7-96171470-A-T. GRCh37 (hg19) VCF-style: chr7-95800782-A-T.
Other names: c.1233+2T>A (NM_001160210.2).
Identifiers: ClinVar variation 4061561 (VCV004061561.2).

ClinVar aggregate classification (germline): Pathogenic (1 of 4 stars; one submission).

Conditions:
Citrullinemia. Identifiers: Orphanet 187, MedGen C0175683, MONDO:0015991.

Submission:

Natera, Inc.
Classification: Pathogenic for Citrullinemia. Last evaluated: 2025-04-26. Review status: criteria provided, single submitter. Criteria: Natera Variant Classification Schema (03/2026). Collection method: clinical testing. Allele origin: germline.
Comment: The c.1230+2T>A variant in SLC25A13 is a canonical splice donor site variant predicted to affect pre-mRNA splicing, which may result in an abnormal transcript and altered protein product. This variant is expected to result in nonsense mediated decay, truncation, or a dysfunctional protein product. This variant is rare in the general population with a frequency below the threshold expected for the associated phenotype(s). Another variant at this same site results in an alteration predicted to cause a similar molecular effect has been observed in individual(s) with the associated phenotype. Given the available evidence, this variant is classified as Pathogenic.